The following is an entry in ClinVar:

ClinVar aggregate classification (germline): Likely pathogenic. Review status: criteria provided, multiple submitters, no conflicts (2 of 4 stars). 2 submissions from 2 submitters: Likely pathogenic (2). Last evaluated 2024-05-22.

Conditions:
Ataxia-telangiectasia syndrome (AT). Also called: AT, COMPLEMENTATION GROUP C; Ataxia-telangiectasia, complementation group D; ATAXIA-TELANGIECTASIA, COMPLEMENTATION GROUP A; ATAXIA-TELANGIECTASIA, FRESNO VARIANT; Ataxia-telangiectasia; Ataxia-telangiectasia, complementation group E. Identifiers: Orphanet 100, MedGen C0004135, MONDO:0008840, OMIM 208900.
Familial cancer of breast. Also called: hereditary breast carcinoma; BREAST CANCER, FAMILIAL; Hereditary breast cancer. Identifiers: Orphanet 227535, MedGen C0346153, MONDO:0016419, OMIM 114480. Disease mechanism: loss of function.

Submissions (2):

Natera, Inc.
Classification: Likely pathogenic for Ataxia-telangiectasia. Last evaluated: 2024-05-22. Review status: criteria provided, single submitter. Criteria: Natera Variant Classification Schema (03/2026). Collection method: clinical testing. Allele origin: germline.
Comment: The c.6342del variant in ATM is a frameshift variant predicted to shift the reading frame beginning at codon 2115 and leads to a stop codon 5 codons downstream. This variant is expected to result in nonsense mediated decay, truncation, or a dysfunctional protein product. This variant is rare in the general population with a frequency below the threshold expected for the associated phenotype(s). Given the available evidence, this variant is classified as Likely Pathogenic.

Baylor Genetics
Classification: Likely pathogenic for Familial cancer of breast. Last evaluated: 2024-02-26. Review status: criteria provided, single submitter. Criteria: ACMG Guidelines, 2015. Collection method: clinical testing. Allele origin: unknown.

NM_000051.4(ATM):c.6342del (p.Val2115fs)

Genes: ATM (ATM serine/threonine kinase; plus strand), C11orf65 (chromosome 11 open reading frame 65; minus strand). Cytogenetic location: 11q22.3.
Variant type: Deletion.
Coding change: c.6342del on transcript NM_000051.4 (MANE Select); coding-DNA position 6342, one base deleted (C; older notation c.6342delC).
Protein change: p.Val2115fs; shifts the reading frame from valine 2115.
Molecular consequence: frameshift variant. On other transcripts: intron variant (2).
Genome position (GRCh38, 1-based): chr11:108,317,516, C deleted; the last of 2 consecutive C bases (chr11:108,317,515-108,317,516); deleting either gives the same sequence. VCF-style (leftmost placement, unchanged base first): chr11-108317514-TC-T. GRCh37 (hg19) VCF-style: chr11-108188241-TC-T.
Other names: c.6342del, p.Val2115fs (NM_001351834.2); c.641-8444del (NM_001330368.2); c.*39-8444del (NM_001351110.2); c.6342del (NM_000051.3); short protein forms V2115fs.
Identifiers: ClinVar variation 3240768 (VCV003240768.1), dbSNP rs2547117562.